The following is an entry in ClinVar:

ClinVar aggregate classification (germline): Uncertain significance. Review status: criteria provided, multiple submitters, no conflicts (2 of 4 stars). 3 submissions from 3 submitters: Uncertain significance (3). Last evaluated 2026-07-01.

Conditions:
Glycogen storage disease, type II (IOPD). Also called: CARDIOMEGALIA GLYCOGENICA DIFFUSA; Glycogen storage disease type 2; Acid maltase deficiency disease; Aglucosidase alfa; Deficiency of alpha-glucosidase; Deficiency of lysosomal alpha-glucosidase. Identifiers: Orphanet 365, MedGen C0017921, MONDO:0009290, OMIM 232300.

Allele frequency attached by ClinVar (database versions not stated): gnomAD exomes below 0.00001.
gnomAD v4.1: 1 of 1,614,092 alleles (0.000062%); highest among the groups gnomAD compares: Admixed American, 0.0017%; no homozygotes.

Submissions (3):

Genomenon, Inc
Classification: Uncertain significance for Glycogen storage disease, type II. Last evaluated: 2026-07-01. Review status: criteria provided, single submitter. Criteria: Genomenon Sequence Variant Interpretation Standards - Updated. Collection method: curation. Allele origin: germline. Affected: no.
Comment: GAA p.Asn573Lys (c.1719C>A) is a missense variant that changes the amino acid at codon 573 from Asparagine to Lysine. This variant has been reported in the published literature (PMID:22252923;30281819). The presence of pathogenic/likely pathogenic missense variant(s) at the same amino acid position indicates that this residue is likely important for protein function. It is absent or not present at a significant frequency in gnomAD. In conclusion, we classify GAA p.Asn573Lys (c.1719C>A) as a variant of uncertain significance.

Labcorp Genetics (formerly Invitae), Labcorp
Classification: Uncertain significance for Glycogen storage disease, type II. Last evaluated: 2021-04-29. Review status: criteria provided, single submitter. Criteria: Invitae Variant Classification Sherloc (09022015). Collection method: clinical testing. Allele origin: germline.
Comment: In summary, the available evidence is currently insufficient to determine the role of this variant in disease. Therefore, it has been classified as a Variant of Uncertain Significance. Advanced modeling of protein sequence and biophysical properties (such as structural, functional, and spatial information, amino acid conservation, physicochemical variation, residue mobility, and thermodynamic stability) performed at Invitae indicates that this missense variant is expected to disrupt GAA protein function. This variant has been observed in individual(s) with Pompe disease (PMID: 22252923). ClinVar contains an entry for this variant (Variation ID: 943107). This variant is not present in population databases (ExAC no frequency). This sequence change replaces asparagine with lysine at codon 573 of the GAA protein (p.Asn573Lys). The asparagine residue is highly conserved and there is a moderate physicochemical difference between asparagine and lysine.

Broad Center for Mendelian Genomics, Broad Institute of MIT and Harvard
Classification: Uncertain significance for Glycogen storage disease, type II. Last evaluated: 2020-01-15. Review status: criteria provided, single submitter. Criteria: ACMG Guidelines, 2015. Collection method: curation. Allele origin: germline. Inheritance: Autosomal recessive inheritance.
Comment: The p.Asn573Lys variant in GAA has been reported in two Mexican individuals with glycogen storage disease II (PMID: 22252923) and has been identified in 0.003% (1/34578) Latino chromosomes by the Genome Aggregation Database (gnomAD; dbSNP rs1175728529). Although this variant has been seen in the general population, its frequency is low enough to be consistent with a recessive carrier frequency. Computational prediction tools and conservation analyses do not provide strong support for or against an impact to the protein. In summary, the clinical significance of the p.Asn573Lys variant is uncertain. ACMG/AMP Criteria applied: PM2 (Richards 2015).

Literature cited by the submitters: PubMed 22252923 (cited by Genomenon, Inc and Labcorp Genetics (formerly Invitae), Labcorp); PubMed 30281819 (cited by Genomenon, Inc).

NM_000152.5(GAA):c.1719C>A (p.Asn573Lys)

Gene: GAA (alpha glucosidase; plus strand). Cytogenetic location: 17q25.3.
Variant type: single nucleotide variant.
Coding change: c.1719C>A on transcript NM_000152.5 (MANE Select); coding-DNA position 1719, C replaced by A.
Protein change: p.Asn573Lys; replaces asparagine 573 with lysine.
Molecular consequence: missense variant.
Genome position (GRCh38, 1-based): chr17:80,112,065, C>A. VCF-style: chr17-80112065-C-A. GRCh37 (hg19) VCF-style: chr17-78085864-C-A.
Other names: c.1719C>A, p.Asn573Lys (NM_001079803.3, NM_001079804.3); short protein forms N573K.
Identifiers: ClinVar variation 943107 (VCV000943107.13), dbSNP rs1175728529, ClinGen allele CA401369065.